The following is an entry in ClinVar:

NM_000163.5(GHR):c.-7T>A

Gene: GHR (growth hormone receptor; plus strand). Cytogenetic location: 5p12.
Variant type: single nucleotide variant.
Coding change: c.-7T>A on transcript NM_000163.5 (MANE Select); 7 bases upstream of the start codon, T replaced by A.
Molecular consequence: 5 prime UTR variant. On other transcripts: synonymous variant (1).
Genome position (GRCh38, 1-based): chr5:42,565,868, T>A. VCF-style: chr5-42565868-T-A. GRCh37 (hg19) VCF-style: chr5-42565970-T-A.
Other names: c.15T>A, p.Pro5= (NM_001242399.2); c.-7T>A (NM_001242400.2, NM_001242401.4, NM_001242402.2 and 6 more transcripts).
Identifiers: ClinVar variation 4851384 (VCV004851384.1).

ClinVar aggregate classification (germline): Likely benign (1 of 4 stars; one submission).

Conditions:
Short stature due to partial GHR deficiency. Also called: GROWTH HORMONE DEFICIENCY, ISOLATED PARTIAL; GROWTH HORMONE INSENSITIVITY, PARTIAL; Growth hormone, insensitivity to, partial. Identifiers: Orphanet 314802, Orphanet 314811, MedGen C1858656, MONDO:0011420, OMIM 604271.

Submission:

Centre for Medical Genetics,  Mumbai
Classification: Likely benign for Short stature due to partial GHR deficiency. Last evaluated: 2026-04-15. Review status: criteria provided, single submitter. Criteria: ACMG Guidelines, 2015. Collection method: provider interpretation. Allele origin: germline. Inheritance: Autosomal dominant inheritance. Affected: no. Observed: 1 variant allele, 1 heterozygote.
Comment: The variant satisfies PM2 criteria - extremely low frequency in gnomAD population databases. The variant satisfies BP7 criteria - synonymous or non coding variant which is not located in a splice region and not predicted to have splice-altering consequence. However, the variant satisfies BS2 criteria - present in homozygous state in an individual that clinically does not have Growth hormone insensitivity.

Literature cited by the submitters: PubMed 7565946.